The following is an entry in ClinVar:

NM_015272.5(RPGRIP1L):c.3221-9T>G

Gene: RPGRIP1L (RPGRIP1 like; minus strand). Cytogenetic location: 16q12.2.
Variant type: single nucleotide variant.
Coding change: c.3221-9T>G on transcript NM_015272.5 (MANE Select); 9 bases into the intron before coding-DNA position 3221, T replaced by G.
Molecular consequence: intron variant.
Genome position (GRCh38, 1-based): chr16:53,636,521, A>C on the plus strand (T>G on the coding strand, the complement: RPGRIP1L is on the minus strand). VCF-style: chr16-53636521-A-C. GRCh37 (hg19) VCF-style: chr16-53670433-A-C.
Other names: c.3119-9T>G (NM_001127897.4, NM_001330538.2); c.3221-9T>G (NM_001308334.3).
Identifiers: ClinVar variation 4994894 (VCV004994894.1).
Genomic context (GRCh38, chr16:53,636,521, plus strand): 5'-GGACCTGGAATAATACAGTCATCACTGTCAGAAGCTGACATGTCCTCTTCAACTGTTTAA[A>C]AAATAAAAGGGTAACATTTACACAAGTTAAACCAATTCTACTTATACCCTGTAAAATAAA-3'

ClinVar aggregate classification (germline): Uncertain significance (1 of 4 stars; one submission).

Conditions:
RPGRIP1L-related disorder. Also called: RPGRIP1L-related condition; RPGRIP1L-related disorders. Identifiers: MedGen CN239416.

Submission:

PreventionGenetics, part of Exact Sciences
Classification: Uncertain significance for RPGRIP1L-related condition. Last evaluated: 2026-07-01. Review status: criteria provided, single submitter. Criteria: ACMG Guidelines, 2015. Collection method: clinical testing. Allele origin: germline.
Comment: The RPGRIP1L c.3221-9T>G variant is predicted to interfere with splicing. To our knowledge, this variant has not been reported in the literature or in a large population database (gnomAD), indicating this variant is rare. At this time, the clinical significance of this variant is uncertain due to the absence of conclusive functional and genetic evidence.